The following is an entry in ClinVar:

NM_032119.4(ADGRV1):c.15974A>G (p.Gln5325Arg)

Gene: ADGRV1 (adhesion G protein-coupled receptor V1; plus strand). Cytogenetic location: 5q14.3.
Variant type: single nucleotide variant.
Coding change: c.15974A>G on transcript NM_032119.4 (MANE Select); coding-DNA position 15974, A replaced by G.
Protein change: p.Gln5325Arg; replaces glutamine 5325 with arginine.
Molecular consequence: missense variant. On other transcripts: non-coding transcript variant (1).
Genome position (GRCh38, 1-based): chr5:90,811,234, A>G. VCF-style: chr5-90811234-A-G. GRCh37 (hg19) VCF-style: chr5-90107051-A-G.
Other names: short protein forms Q5325R.
Identifiers: ClinVar variation 5010097 (VCV005010097.1).

ClinVar aggregate classification (germline): Uncertain significance (1 of 4 stars; one submission).

Submission:

GeneDx
Classification: Uncertain significance. Last evaluated: 2026-02-26. Review status: criteria provided, single submitter. Criteria: GeneDx Variant Classification Process June 2021. Collection method: clinical testing. Allele origin: germline.
Comment: Not observed at significant frequency in large population cohorts (gnomAD); In silico analysis suggests that this missense variant does not alter protein structure/function; Has not been previously published as pathogenic or benign to our knowledge